The following is an entry in ClinVar:

NM_001267550.2(TTN):c.48015_48016del (p.Asp16007fs)

Genes: TTN (titin; minus strand), TTN-AS1 (TTN antisense RNA 1; plus strand). Cytogenetic location: 2q31.2.
Variant type: Deletion.
Coding change: c.48015_48016del on transcript NM_001267550.2 (MANE Select); coding-DNA positions 48015 to 48016, 2 bases deleted (AG; older notation c.48015_48016delAG).
Protein change: p.Asp16007fs; shifts the reading frame from aspartic acid 16007.
Molecular consequence: frameshift variant.
Genome position (GRCh38, 1-based): chr2:178,616,873-178,616,874, CT deleted on the plus strand (AG on the coding strand, the reverse complement: TTN is on the minus strand). VCF-style (leftmost placement, unchanged base first): chr2-178616872-CCT-C. GRCh37 (hg19) VCF-style: chr2-179481599-CCT-C.
Other names: c.43092_43093del, p.Asp14366fs (NM_001256850.1); c.20820_20821del, p.Asp6942fs (NM_003319.4); c.40311_40312del, p.Asp13439fs (NM_133378.4); c.21195_21196del, p.Asp7067fs (NM_133432.3); c.21396_21397del, p.Asp7134fs (NM_133437.4); c.43092_43093delAG (NM_001256850.1); c.40311_40312delAG (NM_133378.4); c.20820_20821delAG (NM_003319.4); short protein forms D16007fs, D6942fs, D7067fs, D13439fs, D14366fs, D7134fs.
Identifiers: ClinVar variation 202446 (VCV000202446.14), dbSNP rs794729319, ClinGen allele CA309406.
Genomic context (GRCh38, chr2:178,616,872, plus strand): 5'-TCACTTGGAGAAATGACAAGTTCGGCATAGGCAGACAAGGTCTTCATTTTCACCCGGTCC[CCT>C]GTTTCTAGTACTTTATCTCCAAAACACCAGGTTGCAGTTGGCCTTGGATAGCCTGTACTT-3'

ClinVar aggregate classification (germline): Pathogenic/Likely pathogenic. Review status: criteria provided, multiple submitters, no conflicts (2 of 4 stars). 7 submissions from 7 submitters: Pathogenic (2); Likely pathogenic (4). 1 of the submissions does not count toward it. Last evaluated 2026-07-10.

Conditions:
Cardiovascular phenotype. Identifiers: MedGen CN230736.
Autosomal recessive limb-girdle muscular dystrophy type 2J (LGMDR10). Also called: MUSCULAR DYSTROPHY, LIMB-GIRDLE, AUTOSOMAL RECESSIVE 10; Limb-girdle muscular dystrophy, type 2J. Identifiers: Orphanet 140922, MedGen C1837342, MONDO:0012127, OMIM 608807.
Dilated cardiomyopathy 1G (CMD1G). Identifiers: Orphanet 154, MedGen C1858763, MONDO:0011400, OMIM 604145.
Primary familial dilated cardiomyopathy (FDC). Also called: Familial dilated cardiomyopathy; Hypokinetic dilated cardiomyopathy, familial. Identifiers: Orphanet 217607, MedGen C0340427, MONDO:0016333.

Allele frequency attached by ClinVar (database versions not stated): gnomAD 0.00001; gnomAD exomes below 0.00001.

Submissions (7):

Clinical Genetics Laboratory, Skane University Hospital Lund
Classification: Pathogenic for Dilated cardiomyopathy 1G. Last evaluated: 2026-07-10. Review status: criteria provided, single submitter. Criteria: ACMG Guidelines, 2015. Collection method: clinical testing. Allele origin: germline. Inheritance: Autosomal dominant inheritance. Affected: yes.
Comment: TTN (NM_001267550.2) c.48015_48016del, p.(Asp16007Profs*19) represents a 2-base pair deletion in exon 256 of 363, located in the A-band of TTN. Exon 256 is annotated as 100% spliced in for DCM. The variant results in a frameshift, a premature stop codon, and subsequently a truncated protein or loss of protein expression from the allele. TTN c.48015_48016del has previously been detected at a low allele frequency in the general population, is described in the literature (PMID: 27813223, 30847666, 39844436), and is predominantly reported as likely pathogenic in the ClinVar database (Accession: VCV000202446.11). The variant has been classified as pathogenic based on the following ACMG criteria: PVS1, PS4, and PM2.

Women's Health and Genetics/Laboratory Corporation of America, LabCorp
Classification: Likely pathogenic for Primary familial dilated cardiomyopathy. Last evaluated: 2026-06-17. Review status: criteria provided, single submitter. Criteria: LabCorp Variant Classification Summary - May 2015. Collection method: clinical testing. Allele origin: germline.
Comment: Variant summary: TTN c.40311_40312delAG (p.Asp13439ProfsX19) results in a premature termination codon, predicted to cause a truncation of the encoded protein or absence of the protein due to nonsense mediated decay, which are commonly known mechanisms for disease. Loss of function variants in all TTN bands are strongly associated with a spectrum of autosomal recessive titinopathies when exon expression (proportion spliced in, PSI, 1=complete expression) in skeletal muscle is >0.1 (PMID: 36977548, 39198997, 29598826, 32778822, 29691892, 33449170, 36977548, internal data). In contrast, loss of function variants in all TTN bands are only strongly associated with autosomal dominant TTN-related cardiomyopathies if located in exons constitutively expressed (PSI >0.9) in cardiac muscle, excluding extreme C-terminal exons 359-363 (PMID: 25589632, 31216868, 32964742, 34662387, 27869827, Shetty et al., Nat Cardiovasc Res 2024,, internal data). This variant has a maximum skeletal muscle PSI of 0.964 and a maximum cardiac muscle PSI of 1.0. The variant was absent in 247430 control chromosomes. c.40311_40312delAG has been observed in individual(s) affected with TTN-related conditions (e.g. Jansweijer_2015, internal testing). To our knowledge, no experimental evidence demonstrating an impact on protein function has been reported. The following publications have been ascertained in the context of this evaluation (PMID: 27813223, 39844436, 30847666). ClinVar contains an entry for this variant (Variation ID: 202446). Based on the evidence outlined above, the variant was classified as likely pathogenic for both autosomal dominant and autosomal recessive TTN-related conditions.

Greenwood Genetic Center Diagnostic Laboratories, Greenwood Genetic Center
Classification: Likely pathogenic for Dilated cardiomyopathy 1G. Last evaluated: 2026-04-14. Review status: criteria provided, single submitter. Criteria: ACMG Guidelines, 2015. Collection method: clinical testing. Allele origin: germline.
Comment: PVS1_Strong, PM1, PM2

Ambry Genetics
Classification: Likely pathogenic for Cardiovascular phenotype. Last evaluated: 2026-04-01. Review status: criteria provided, single submitter. Criteria: Ambry Variant Classification Scheme 2023. Collection method: clinical testing. Allele origin: germline.
Comment: The c.20820_20821delAG (p.D6942Pfs*19) alteration, located in exon 84 (coding exon 83) of the TTN gene, consists of a deletion of 2 nucleotides from position 20820 to 20821, causing a translational frameshift with a predicted alternate stop codon after 19 amino acids. This variant is expected to result in loss of function by premature protein truncation or nonsense-mediated mRNA decay. This variant was not reported in population-based cohorts in the Genome Aggregation Database (gnomAD). This exon is located in the A-band region of the N2-B isoform of the titin protein and is constitutively expressed in TTN transcripts (percent spliced in or PSI 100%). While truncating variants in TTN are present in 1-3% of the general population, truncating variants in the A-band are the most common cause of dilated cardiomyopathy (Herman, 2012; Roberts, 2015). TTN truncating variants encoded in constitutive exons (PSI >90%) have been found to be significantly associated with DCM regardless of their position in titin (Schafer, 2017; Akhtar, 2020; Massier, 2025). Based on the available evidence, this alteration is classified as likely pathogenic.

Labcorp Genetics (formerly Invitae), Labcorp
Classification: Likely pathogenic for Dilated cardiomyopathy 1G; Autosomal recessive limb-girdle muscular dystrophy type 2J. Last evaluated: 2026-01-26. Review status: criteria provided, single submitter. Criteria: Invitae Variant Classification Sherloc (09022015). Collection method: clinical testing. Allele origin: germline.
Comment: This sequence change creates a premature translational stop signal (p.Asp16007Profs*19) in the TTN gene. While this is not anticipated to result in nonsense mediated decay, it is expected to create a truncated TTN protein. This variant is not present in population databases (gnomAD no frequency). This premature translational stop signal has been observed in individual(s) with clinical features of dilated cardiomyopathy (PMID: 27813223, 30847666, 39844436; internal data). This variant is also known as c.48015_48016delAG and c.40311_40312del (p.Asp13439Profs*19). ClinVar contains an entry for this variant (Variation ID: 202446). This variant is located in the A band of TTN (PMID: 25589632). Truncating variants in this region are significantly overrepresented in patients affected with dilated cardiomyopathy (PMID: 25589632). Truncating variants in this region have also been reported in individuals affected with autosomal recessive centronuclear myopathy (PMID: 23975875). In summary, the currently available evidence indicates that the variant is pathogenic, but additional data are needed to prove that conclusively. Therefore, this variant has been classified as Likely Pathogenic.

GeneDx
Classification: Pathogenic. Last evaluated: 2014-04-16. Review status: criteria provided, single submitter. Criteria: GeneDx Variant Classification (06012015). Collection method: clinical testing. Allele origin: germline. Affected: yes.
Comment: c.43092_43093delAG: p.Asp14366ProfsX19 (D14366PfsX19) in exon 206 of the TTN gene (NM_001256850.1). The normal sequence with the bases that are deleted in braces is: AAAC{AG}GGGA. Although the c.43092_43093delAG mutation in the TTN gene has not been reported to our knowledge, this mutation causes a shift in reading frame starting at codon Aspartic acid 14366, changing it to a Proline, and creating a premature stop codon at position 19 of the new reading frame, denoted p.Asp14366ProfsX19. This mutation is expected to result in either an abnormal, truncated protein product or loss of protein from this allele through nonsense-mediated mRNA decay. Other truncating TTN variants have been reported in approximately 3% of control alleles (Herman D et al., 2012). However, c.43092_43093delAG is located in the A-band region of titin, where the majority of truncating mutations associated with DCM have been reported (Herman D et al., 2012). In summary, c.43092_43093delAG in the TTN gene is interpreted as a disease-causing mutation. The variant is found in CARDIOMYOPATHY panel(s).

Cardiogenetics and Myogenetics Molecular and Cellular Functional Unit, Aphp Sorbonne University-Hopital Pitie Salpetriere
Classification: Likely pathogenic for Dilated cardiomyopathy 1G. Last evaluated: 2024-01-06. Review status: no assertion criteria provided. Collection method: clinical testing. Allele origin: germline. Affected: yes. Not counted in ClinVar's aggregate classification.

Literature cited by the submitters: PubMed 30847666 (cited by Women's Health and Genetics/Laboratory Corporation of America, LabCorp and Labcorp Genetics (formerly Invitae), Labcorp); PubMed 27813223 (cited by Women's Health and Genetics/Laboratory Corporation of America, LabCorp and Labcorp Genetics (formerly Invitae), Labcorp); PubMed 39844436 (cited by 3 submitters); PubMed 22335739 (cited by Ambry Genetics); PubMed 25589632 (cited by Ambry Genetics and Labcorp Genetics (formerly Invitae), Labcorp); PubMed 27869827 (cited by Ambry Genetics); PubMed 32964742 (cited by Ambry Genetics); PubMed 23975875 (cited by Labcorp Genetics (formerly Invitae), Labcorp).